The following is an entry in ClinVar:

ClinVar aggregate classification (germline): Uncertain significance. Review status: criteria provided, multiple submitters, no conflicts (2 of 4 stars). 5 submissions from 5 submitters: Uncertain significance (5). Last evaluated 2025-11-25.

Conditions:
Hereditary cancer-predisposing syndrome. Also called: Neoplastic Syndromes, Hereditary; Tumor predisposition; Hereditary neoplastic syndrome; Hereditary Cancer Syndrome. Identifiers: Orphanet 140162, MedGen C0027672, MeSH D009386, MONDO:0015356.
Classic or attenuated familial adenomatous polyposis. Identifiers: MedGen CN372698, MONDO:0021057.
Familial adenomatous polyposis 1 (FAP1). Also called: POLYPOSIS, ADENOMATOUS INTESTINAL; FAMILIAL ADENOMATOUS POLYPOSIS 1, ATTENUATED. Identifiers: MedGen C2713442, MONDO:0021056, OMIM 175100. Disease mechanism: loss of function.

Allele frequency attached by ClinVar (database versions not stated): gnomAD exomes 0.00001; ExAC 0.00002.
gnomAD v4.1: 2 of 1,613,930 alleles (0.00012%); highest among the groups gnomAD compares: Admixed American, 0.0017%; no homozygotes.

Submissions (5):

Ambry Genetics
Classification: Uncertain significance for Hereditary cancer-predisposing syndrome. Last evaluated: 2025-11-25. Review status: criteria provided, single submitter. Criteria: Ambry Variant Classification Scheme 2023. Collection method: clinical testing. Allele origin: germline.
Comment: The p.S2283R variant (also known as c.6849C>A), located in coding exon 15 of the APC gene, results from a C to A substitution at nucleotide position 6849. The serine at codon 2283 is replaced by arginine, an amino acid with dissimilar properties. This amino acid position is not well conserved in available vertebrate species. In addition, in silico predictors for this gene do not accurately predict pathogenicity. Since supporting evidence is limited at this time, the clinical significance of this alteration remains unclear.

Labcorp Genetics (formerly Invitae), Labcorp
Classification: Uncertain significance for Familial adenomatous polyposis 1. Last evaluated: 2025-10-07. Review status: criteria provided, single submitter. Criteria: Invitae Variant Classification Sherloc (09022015). Collection method: clinical testing. Allele origin: germline.
Comment: This sequence change replaces serine, which is neutral and polar, with arginine, which is basic and polar, at codon 2283 of the APC protein (p.Ser2283Arg). This variant is present in population databases (rs771626604, gnomAD 0.003%). This variant has not been reported in the literature in individuals affected with APC-related conditions. ClinVar contains an entry for this variant (Variation ID: 826663). Invitae Evidence Modeling of protein sequence and biophysical properties (such as structural, functional, and spatial information, amino acid conservation, physicochemical variation, residue mobility, and thermodynamic stability) indicates that this missense variant is not expected to disrupt APC protein function with a negative predictive value of 95%. In summary, the available evidence is currently insufficient to determine the role of this variant in disease. Therefore, it has been classified as a Variant of Uncertain Significance.

Color Diagnostics, LLC DBA Color Health
Classification: Uncertain significance for Hereditary cancer-predisposing syndrome. Last evaluated: 2024-03-06. Review status: criteria provided, single submitter. Criteria: ACMG Guidelines, 2015. Collection method: clinical testing. Allele origin: germline.
Comment: This missense variant replaces serine with arginine at codon 2283 of the APC protein. Computational prediction is inconclusive regarding the impact of this variant on protein structure and function. To our knowledge, functional studies have not been reported for this variant. This variant has not been reported in individuals affected with APC-related disorders in the literature. This variant has been identified in 2/250928 chromosomes in the general population by the Genome Aggregation Database (gnomAD). The available evidence is insufficient to determine the role of this variant in disease conclusively. Therefore, this variant is classified as a Variant of Uncertain Significance.

Baylor Genetics
Classification: Uncertain significance for Familial adenomatous polyposis 1. Last evaluated: 2024-02-16. Review status: criteria provided, single submitter. Criteria: ACMG Guidelines, 2015. Collection method: clinical testing. Allele origin: unknown.

All of Us Research Program, National Institutes of Health
Classification: Uncertain significance for Classic or attenuated familial adenomatous polyposis. Last evaluated: 2023-08-15. Review status: criteria provided, single submitter. Criteria: ACMG Guidelines, 2015. Collection method: clinical testing. Allele origin: germline. Inheritance: Autosomal dominant inheritance. Observed: 2 variant alleles, 2 heterozygotes.
Comment: This missense variant replaces serine with arginine at codon 2283 of the APC protein. Computational prediction is inconclusive regarding the impact of this variant on protein structure and function (internally defined REVEL score threshold 0.5 < inconclusive < 0.7, PMID: 27666373). To our knowledge, functional studies have not been reported for this variant. This variant has not been reported in individuals affected with APC-related disorders in the literature. This variant has been identified in 2/250928 chromosomes in the general population by the Genome Aggregation Database (gnomAD). The available evidence is insufficient to determine the role of this variant in disease conclusively. Therefore, this variant is classified as a Variant of Uncertain Significance.

This study involves interpretation of variants in research participants for the purpose of population health screening. Participant phenotype was not available at the time of variant classification. Additional details can be found in publication PMID: 35346344, PMCID: PMC8962531

NM_000038.6(APC):c.6849C>A (p.Ser2283Arg)

Gene: APC (APC regulator of Wnt signaling pathway; plus strand). Cytogenetic location: 5q22.2.
Variant type: single nucleotide variant.
Coding change: c.6849C>A on transcript NM_000038.6 (MANE Select); coding-DNA position 6849, C replaced by A.
Protein change: p.Ser2283Arg; replaces serine 2283 with arginine.
Molecular consequence: missense variant.
Genome position (GRCh38, 1-based): chr5:112,842,443, C>A. VCF-style: chr5-112842443-C-A. GRCh37 (hg19) VCF-style: chr5-112178140-C-A.
Other names: c.6849C>A, p.Ser2283Arg (NM_001127510.3, NM_001354895.2); c.6795C>A, p.Ser2265Arg (NM_001127511.3); c.6903C>A, p.Ser2301Arg (NM_001354896.2); c.6879C>A, p.Ser2293Arg (NM_001354897.2); c.6774C>A, p.Ser2258Arg (NM_001354898.2); c.6765C>A, p.Ser2255Arg (NM_001354899.2); c.6726C>A, p.Ser2242Arg (NM_001354900.2); c.6672C>A, p.Ser2224Arg (NM_001354901.2); and 5 more; short protein forms S2255R, S2258R, S2192R, S2224R, S2000R, S2293R, S2123R, S2157R.
Identifiers: ClinVar variation 826663 (VCV000826663.16), dbSNP rs771626604, ClinGen allele CA046273.
Genomic context (GRCh38, chr5:112,842,443, plus strand): 5'-AGGTCAAACAGCCACCACTTCTCCTAGAGGAGCCAAGCCATCTGTGAAATCAGAATTAAG[C>A]CCTGTTGCCAGGCAGACATCCCAAATAGGTGGGTCAAGTAAAGCACCTTCTAGATCAGGA-3'
Protein context (NP_000029.2, residues 2273-2293): GAKPSVKSEL[Ser2283Arg]PVARQTSQIG